The following is an entry in ClinVar:

NM_002469.3(MYF6):c.280C>T (p.Arg94Trp)

Gene: MYF6 (myogenic factor 6; plus strand). Cytogenetic location: 12q21.31.
Variant type: single nucleotide variant.
Coding change: c.280C>T on transcript NM_002469.3 (MANE Select); coding-DNA position 280, C replaced by T.
Protein change: p.Arg94Trp; replaces arginine 94 with tryptophan.
Molecular consequence: missense variant.
Genome position (GRCh38, 1-based): chr12:80,707,999, C>T. VCF-style: chr12-80707999-C-T. GRCh37 (hg19) VCF-style: chr12-81101778-C-T.
Other names: short protein forms R94W.
Identifiers: ClinVar variation 1039100 (VCV001039100.10), dbSNP rs1188507871, ClinGen allele CA385863334.

ClinVar aggregate classification (germline): Uncertain significance (1 of 4 stars; one submission).

Conditions:
Autosomal dominant centronuclear myopathy. Also called: MYOTUBULAR MYOPATHY, AUTOSOMAL DOMINANT; Myopathy, centronuclear, 3. Identifiers: Orphanet 169189, MedGen C4551952, MeSH D020914, MONDO:0008048, OMIM 160150.

gnomAD v4.1: 2 of 1,614,112 alleles (0.00012%); highest among the groups gnomAD compares: East Asian, 0.0022%; no homozygotes.

Submission:

Labcorp Genetics (formerly Invitae), Labcorp
Classification: Uncertain significance for Autosomal dominant centronuclear myopathy. Last evaluated: 2022-03-09. Review status: criteria provided, single submitter. Criteria: Invitae Variant Classification Sherloc (09022015). Collection method: clinical testing. Allele origin: germline.
Comment: This sequence change replaces arginine, which is basic and polar, with tryptophan, which is neutral and slightly polar, at codon 94 of the MYF6 protein (p.Arg94Trp). This variant is not present in population databases (gnomAD no frequency). This variant has not been reported in the literature in individuals affected with MYF6-related conditions. ClinVar contains an entry for this variant (Variation ID: 1039100). Algorithms developed to predict the effect of missense changes on protein structure and function (SIFT, PolyPhen-2, Align-GVGD) all suggest that this variant is likely to be disruptive. In summary, the available evidence is currently insufficient to determine the role of this variant in disease. Therefore, it has been classified as a Variant of Uncertain Significance.